The following is an entry in ClinVar:

ClinVar aggregate classification (germline): Uncertain significance (1 of 4 stars; one submission).

gnomAD v4.1: 1 of 1,614,168 alleles (0.000062%); highest among the groups gnomAD compares: Non-Finnish European, 0.000085%; no homozygotes.

Submission:

Ambry Genetics
Classification: Uncertain significance. Last evaluated: 2024-04-16. Review status: criteria provided, single submitter. Criteria: Ambry Variant Classification Scheme 2023. Collection method: clinical testing. Allele origin: germline.
Comment: The p.P164A variant (also known as c.490C>G), located in coding exon 2 of the GALNT12 gene, results from a C to G substitution at nucleotide position 490. The proline at codon 164 is replaced by alanine, an amino acid with highly similar properties. This amino acid position is conserved. In addition, the in silico prediction for this alteration is inconclusive. Based on the available evidence, the clinical significance of this variant remains unclear.

NM_024642.5(GALNT12):c.490C>G (p.Pro164Ala)

Gene: GALNT12 (polypeptide N-acetylgalactosaminyltransferase 12; plus strand). Cytogenetic location: 9q22.33.
Variant type: single nucleotide variant.
Coding change: c.490C>G on transcript NM_024642.5 (MANE Select); coding-DNA position 490, C replaced by G.
Protein change: p.Pro164Ala; replaces proline 164 with alanine.
Molecular consequence: missense variant.
Genome position (GRCh38, 1-based): chr9:98,823,374, C>G. VCF-style: chr9-98823374-C-G. GRCh37 (hg19) VCF-style: chr9-101585656-C-G.
Other names: short protein forms P164A.
Identifiers: ClinVar variation 3280571 (VCV003280571.1).